The following is an entry in ClinVar:

NM_000051.4(ATM):c.7675_7676del (p.Ile2559fs)

Genes: ATM (ATM serine/threonine kinase; plus strand), C11orf65 (chromosome 11 open reading frame 65; minus strand). Cytogenetic location: 11q22.3.
Variant type: Deletion.
Coding change: c.7675_7676del on transcript NM_000051.4 (MANE Select); coding-DNA positions 7675 to 7676, 2 bases deleted (AT; older notation c.7675_7676delAT).
Protein change: p.Ile2559fs; shifts the reading frame from isoleucine 2559.
Molecular consequence: frameshift variant. On other transcripts: intron variant (2).
Genome position (GRCh38, 1-based): chr11:108,331,924-108,331,925, AT deleted; deleting any 2 consecutive bases within chr11:108,331,923-108,331,925 gives the same sequence; the c. name uses the placement nearest the transcript's 3' end. VCF-style (leftmost placement, unchanged base first): chr11-108331922-TTA-T. GRCh37 (hg19) VCF-style: chr11-108202649-TTA-T.
Other names: c.7675_7676del, p.Ile2559fs (NM_001351834.2); c.641-22853_641-22852del (NM_001330368.2); c.*38+3296_*38+3297del (NM_001351110.2); short protein forms I2559fs.
Identifiers: ClinVar variation 2587770 (VCV002587770.2), dbSNP rs2547282418, ClinGen allele CA2582342469.
Genomic context (GRCh38, chr11:108,331,922, plus strand): 5'-TAGTTCTTTTCTTACAGCTAATCTCTAGAATTTCAATGGATCACCCCCATCACACTTTGT[TTA>T]TTATACTGGCCTTAGCAAATGCAAACAGAGATGAATTTCTGACTAAACCAGAGGTAGCCA-3'

ClinVar aggregate classification (germline): Pathogenic (1 of 4 stars; one submission).

Conditions:
Hereditary cancer-predisposing syndrome. Also called: Hereditary Cancer Syndrome; Hereditary neoplastic syndrome; Neoplastic Syndromes, Hereditary; Tumor predisposition. Identifiers: Orphanet 140162, MedGen C0027672, MeSH D009386, MONDO:0015356.

Submission:

Ambry Genetics
Classification: Pathogenic for Hereditary cancer-predisposing syndrome. Last evaluated: 2023-07-17. Review status: criteria provided, single submitter. Criteria: Ambry Variant Classification Scheme 2023. Collection method: clinical testing. Allele origin: germline.
Comment: The c.7675_7676delAT pathogenic mutation, located in coding exon 51 of the ATM gene, results from a deletion of two nucleotides at nucleotide positions 7675 to 7676, causing a translational frameshift with a predicted alternate stop codon (p.I2559Yfs*11). This variant is considered to be rare based on population cohorts in the Genome Aggregation Database (gnomAD). This alteration is expected to result in loss of function by premature protein truncation or nonsense-mediated mRNA decay. As such, this alteration is interpreted as a disease-causing mutation.